The following is an entry in ClinVar:

NM_000179.3(MSH6):c.2942T>G (p.Ile981Ser)

Gene: MSH6 (mutS homolog 6; plus strand). Cytogenetic location: 2p16.3.
Variant type: single nucleotide variant.
Coding change: c.2942T>G on transcript NM_000179.3 (MANE Select); coding-DNA position 2942, T replaced by G.
Protein change: p.Ile981Ser; replaces isoleucine 981 with serine.
Molecular consequence: missense variant. On other transcripts: non-coding transcript variant (5), intron variant (2).
Genome position (GRCh38, 1-based): chr2:47,800,925, T>G. VCF-style: chr2-47800925-T-G. GRCh37 (hg19) VCF-style: chr2-48028064-T-G.
Other names: c.2552T>G, p.Ile851Ser (NM_001281492.2); c.2036T>G, p.Ile679Ser (NM_001281493.2, NM_001281494.2, NM_001406811.1 and 6 more transcripts); c.3038T>G, p.Ile1013Ser (NM_001406795.1, NM_001406802.1); c.2942T>G, p.Ile981Ser (NM_001406796.1, NM_001406798.1, NM_001406800.1 and 2 more transcripts); c.2645T>G, p.Ile882Ser (NM_001406797.1, NM_001406801.1, NM_001406805.1 and 10 more transcripts); c.2417T>G, p.Ile806Ser (NM_001406799.1, NM_001406806.1, NM_001406807.1); c.2864T>G, p.Ile955Ser (NM_001406804.1); c.2948T>G, p.Ile983Ser (NM_001406813.1); and 4 more; short protein forms I1013S, I296S, I679S, I806S, I851S, I882S, I925S, I955S.
Identifiers: ClinVar variation 3899319 (VCV003899319.1).
Genomic context (GRCh38, chr2:47,800,925, plus strand): 5'-GAATTGGCTGTAGGACCATAGTCTATTGGGGGATTGGTAGGAACCGTTACCAGCTGGAAA[T>G]TCCTGAGAATTTCACCACTCGCAATTTGCCAGAAGAATACGAGTTGAAATCTACCAAGAA-3'
Protein context (NP_000170.1, residues 971-991): GIGRNRYQLE[Ile981Ser]PENFTTRNLP

ClinVar aggregate classification (germline): Uncertain significance (1 of 4 stars; one submission).

Conditions:
Hereditary cancer-predisposing syndrome. Also called: Neoplastic Syndromes, Hereditary; Tumor predisposition; Hereditary Cancer Syndrome; Hereditary neoplastic syndrome. Identifiers: Orphanet 140162, MedGen C0027672, MeSH D009386, MONDO:0015356.

Submission:

Unidad de Genética Molecular HGU Elche, Hospital General Universitario de Elche
Classification: Uncertain significance for Hereditary cancer-predisposing syndrome. Last evaluated: 2025-05-05. Review status: criteria provided, single submitter. Criteria: ACMG Guidelines, 2015. Collection method: clinical testing. Allele origin: germline. Affected: yes.
Comment: PP3 moderate; PM2 supporting; BP1 supporting